The following is an entry in ClinVar:

ClinVar aggregate classification (germline): Pathogenic (1 of 4 stars; one submission).

Conditions:
VPS13A-related neurodegenerative disease. Also called: ACANTHOCYTOSIS WITH NEUROLOGIC DISORDER; LEVINE-CRITCHLEY SYNDROME; Choreoacanthocytosis; Chorea-acanthocytosis; Choreaacanthocytosis; VPS13A Disease. Identifiers: Orphanet 2388, MedGen C0393576, MONDO:0008695, OMIM 200150.

Submission:

Myriad Genetics, Inc.
Classification: Pathogenic for VPS13A-related neurodegenerative disease. Last evaluated: 2024-05-14. Review status: criteria provided, single submitter. Criteria: Myriad Autosomal Dominant, Autosomal Recessive and X-Linked Classification Criteria (2023). Collection method: clinical testing. Allele origin: unknown.
Comment: NM_033305.2(VPS13A):c.8974_8975del2ins9(A2992Kfs*2) is expected to be pathogenic in the context of VPS13A disease. This variant is predicted to lead to an abnormal or absent protein product due to the creation of a premature termination codon in VPS13A, a gene where loss-of-function variants are known to be pathogenic. Please note: this variant was assessed in the context of healthy population screening.

NM_033305.3(VPS13A):c.8974_8975delinsAAGTAGAGT (p.Ala2992delinsLysTer)

Gene: VPS13A (vacuolar protein sorting 13 homolog A; plus strand). Cytogenetic location: 9q21.2.
Variant type: Indel.
Coding change: c.8974_8975delinsAAGTAGAGT on transcript NM_033305.3 (MANE Select); coding-DNA positions 8974 to 8975, GC replaced by AAGTAGAGT.
Protein change: p.Ala2992delinsLysTer.
Molecular consequence: nonsense.
Genome position (GRCh38, 1-based): chr9:77,371,046-77,371,047, GC replaced by AAGTAGAGT. VCF-style: chr9-77371046-GC-AAGTAGAGT. GRCh37 (hg19) VCF-style: chr9-79985962-GC-AAGTAGAGT.
Other names: c.8857_8858delinsAAGTAGAGT, p.Ala2953delinsLysTer (NM_001018037.2); c.8974_8975delinsAAGTAGAGT, p.Ala2992delinsLysTer (NM_001018038.3, NM_015186.4).
Identifiers: ClinVar variation 5011072 (VCV005011072.1).